The following is an entry in ClinVar:

NM_005343.4(HRAS):c.84T>C (p.Phe28=)

Genes: HRAS (HRas proto-oncogene, GTPase; minus strand), LRRC56 (leucine rich repeat containing 56; plus strand). Cytogenetic location: 11p15.5.
Variant type: single nucleotide variant.
Coding change: c.84T>C on transcript NM_005343.4 (MANE Select); coding-DNA position 84, T replaced by C.
Protein change: p.Phe28=; no amino-acid change (phenylalanine 28 retained).
Molecular consequence: synonymous variant. On other transcripts: 5 prime UTR variant (1).
Genome position (GRCh38, 1-based): chr11:534,239, A>G on the plus strand (T>C on the coding strand, the complement: HRAS is on the minus strand). VCF-style: chr11-534239-A-G. GRCh37 (hg19) VCF-style: chr11-534239-A-G.
Other names: c.84T>C, p.Phe28= (NM_001130442.3, NM_176795.5); c.-236T>C (NM_001318054.2).
Identifiers: ClinVar variation 518011 (VCV000518011.10), dbSNP rs915086641, ClinGen allele CA216883315.

ClinVar aggregate classification (germline): Likely benign. Review status: criteria provided, multiple submitters, no conflicts (2 of 4 stars). 2 submissions from 2 submitters: Likely benign (2). Last evaluated 2025-07-02.

Conditions:
Costello syndrome (CSTLO). Also called: HRAS-Related Costello Syndrome; FACIOCUTANEOSKELETAL SYNDROME; FCS SYNDROME. Identifiers: Orphanet 3071, MedGen C0587248, MONDO:0009026, OMIM 218040.

Allele frequency attached by ClinVar (database versions not stated): gnomAD 0.00002; TOPMed 0.00002.
gnomAD v4.1: 6 of 1,613,526 alleles (0.00037%); highest among the groups gnomAD compares: African/African-American, 0.008%; no homozygotes.

Submissions (2):

Labcorp Genetics (formerly Invitae), Labcorp
Classification: Likely benign for Costello syndrome. Last evaluated: 2025-07-02. Review status: criteria provided, single submitter. Criteria: Invitae Variant Classification Sherloc (09022015). Collection method: clinical testing. Allele origin: germline.

GeneDx
Classification: Likely benign. Last evaluated: 2017-06-08. Review status: criteria provided, single submitter. Criteria: GeneDx Variant Classification (06012015). Collection method: clinical testing. Allele origin: germline. Affected: yes.
Comment: This variant is considered likely benign or benign based on one or more of the following criteria: it is a conservative change, it occurs at a poorly conserved position in the protein, it is predicted to be benign by multiple in silico algorithms, and/or has population frequency not consistent with disease.